The following is an entry in ClinVar:

NM_020163.3(SEMA3G):c.500G>A (p.Arg167Gln)

Gene: SEMA3G (semaphorin 3G; minus strand). Cytogenetic location: 3p21.1.
Variant type: single nucleotide variant.
Coding change: c.500G>A on transcript NM_020163.3 (MANE Select); coding-DNA position 500, G replaced by A.
Protein change: p.Arg167Gln; replaces arginine 167 with glutamine.
Molecular consequence: missense variant.
Genome position (GRCh38, 1-based): chr3:52,441,869, C>T on the plus strand (G>A on the coding strand, the complement: SEMA3G is on the minus strand). VCF-style: chr3-52441869-C-T. GRCh37 (hg19) VCF-style: chr3-52475885-C-T.
Other names: c.500G>A (NM_020163.1); short protein forms R167Q.
Identifiers: ClinVar variation 3355683 (VCV003355683.2).

ClinVar aggregate classification (germline): Uncertain significance. Review status: criteria provided, single submitter (1 of 4 stars). 2 submissions from 2 submitters: Uncertain significance (1). 1 of the submissions does not count toward it. Last evaluated 2024-11-26.

Conditions:
SEMA3G-related disorder. Also called: SEMA3G-related condition.

gnomAD v4.1: 33 of 1,590,410 alleles (0.0021%); highest among the groups gnomAD compares: Admixed American, 0.018%; no homozygotes.

Submissions (2):

Ambry Genetics
Classification: Uncertain significance. Last evaluated: 2024-11-26. Review status: criteria provided, single submitter. Criteria: Ambry Variant Classification Scheme 2023. Collection method: clinical testing. Allele origin: germline.

PreventionGenetics, part of Exact Sciences
Classification: Uncertain significance for SEMA3G-related condition. Last evaluated: 2024-05-20. Review status: no assertion criteria provided. Collection method: clinical testing. Allele origin: germline. Not counted in ClinVar's aggregate classification.
Comment: The SEMA3G c.500G>A variant is predicted to result in the amino acid substitution p.Arg167Gln. To our knowledge, this variant has not been reported in the literature. This variant is reported in 0.020% of alleles in individuals of Latino descent in gnomAD. At this time, the clinical significance of this variant is uncertain due to the absence of conclusive functional and genetic evidence.